The following is an entry in ClinVar:

ClinVar aggregate classification (germline): Likely benign (0 of 4 stars; one submission).

Conditions:
SLITRK1-related disorder. Also called: SLITRK1-related condition.

Allele frequency attached by ClinVar (database versions not stated): gnomAD exomes 0.00001; ExAC 0.00004.

Submission:

PreventionGenetics, part of Exact Sciences
Classification: Likely benign for SLITRK1-related condition. Last evaluated: 2019-04-12. Review status: no assertion criteria provided. Collection method: clinical testing. Allele origin: germline.
Comment: This variant is classified as likely benign based on ACMG/AMP sequence variant interpretation guidelines (Richards et al. 2015 PMID: 25741868, with internal and published modifications).

NM_001281503.2(SLITRK1):c.1701G>A (p.Lys567=)

Gene: SLITRK1 (SLIT and NTRK like family member 1; minus strand). Cytogenetic location: 13q31.1.
Variant type: single nucleotide variant.
Coding change: c.1701G>A on transcript NM_001281503.2 (MANE Select); coding-DNA position 1701, G replaced by A.
Protein change: p.Lys567=; no amino-acid change (lysine 567 retained).
Molecular consequence: synonymous variant.
Genome position (GRCh38, 1-based): chr13:83,879,807, C>T on the plus strand (G>A on the coding strand, the complement: SLITRK1 is on the minus strand). VCF-style: chr13-83879807-C-T. GRCh37 (hg19) VCF-style: chr13-84453942-C-T.
Other names: c.1701G>A, p.Lys567= (NM_052910.2).
Identifiers: ClinVar variation 3047249 (VCV003047249.2), dbSNP rs761823041, ClinGen allele CA7014611.